The following is an entry in ClinVar:

ClinVar aggregate classification (germline): Pathogenic (1 of 4 stars; one submission).

Conditions:
Duchenne muscular dystrophy (DMD). Also called: Duchenne Muscular Dystrophy (DMD); MUSCULAR DYSTROPHY, PSEUDOHYPERTROPHIC PROGRESSIVE, DUCHENNE TYPE. Identifiers: Orphanet 98896, MedGen C0013264, MONDO:0010679, OMIM 310200.

Submission:

Labcorp Genetics (formerly Invitae), Labcorp
Classification: Pathogenic for Duchenne muscular dystrophy. Last evaluated: 2019-12-02. Review status: criteria provided, single submitter. Criteria: Invitae Variant Classification Sherloc (09022015). Collection method: clinical testing. Allele origin: germline.
Comment: This variant is an out-of-frame deletion of the genomic region encompassing exons 10-11 of the DMD gene. This is expected to create a premature translational stop signal and result in an absent or disrupted protein product. A similar deletion of exons 10-11 has been reported in several individuals affected with Duchenne muscular dystrophy (PMID: 7668256, 15655674, 27206868). Loss-of-function variants in DMD are known to be pathogenic (PMID: 16770791, 25007885). For these reasons, this variant has been classified as Pathogenic.

Literature cited by the submitters: PubMed 7668256; PubMed 15655674; PubMed 27206868.

NC_000023.11:g.(?_32644122)_(32651077_?)del

Gene: DMD (dystrophin; minus strand). Cytogenetic location: Xp21.1.
Variant type: Deletion.
Identifiers: ClinVar variation 833459 (VCV000833459.1).